The following is an entry in ClinVar:

ClinVar aggregate classification (germline): Conflicting classifications of pathogenicity. Review status: criteria provided, conflicting classifications (1 of 4 stars). 7 submissions from 7 submitters: Uncertain significance (5); Likely benign (2). Last evaluated 2025-12-17.

Conditions:
Hereditary breast ovarian cancer syndrome. Also called: Hereditary breast and ovarian cancer; Hereditary breast and ovarian cancer syndrome (HBOC); Hereditary breast and ovarian cancer syndrome; Breast and ovarian cancer; BRCA1- and BRCA2-Associated Hereditary Breast and Ovarian Cancer; Hereditary breast and/or ovarian cancer syndrome. Identifiers: Orphanet 145, MedGen C0677776, MeSH D061325, MONDO:0003582. Disease mechanism: loss of function.
Hereditary cancer-predisposing syndrome. Also called: Tumor predisposition; Hereditary neoplastic syndrome; Neoplastic Syndromes, Hereditary; Hereditary Cancer Syndrome. Identifiers: Orphanet 140162, MedGen C0027672, MeSH D009386, MONDO:0015356.
Breast-ovarian cancer, familial, susceptibility to, 2 (BROVCA2). Also called: BRCA2 Hereditary Breast and Ovarian Cancer. Identifiers: Orphanet 145, MedGen C2675520, MONDO:0012933, OMIM 612555. Disease mechanism: loss of function.

Allele frequency attached by ClinVar (database versions not stated): gnomAD exomes below 0.00001.
gnomAD v4.1: 3 of 1,614,018 alleles (0.00019%); highest among the groups gnomAD compares: Non-Finnish European, 0.00025%; no homozygotes.

Submissions (7):

Labcorp Genetics (formerly Invitae), Labcorp
Classification: Uncertain significance for Hereditary breast ovarian cancer syndrome. Last evaluated: 2025-12-17. Review status: criteria provided, single submitter. Criteria: Invitae Variant Classification Sherloc (09022015). Collection method: clinical testing. Allele origin: germline.
Comment: This sequence change replaces serine, which is neutral and polar, with asparagine, which is neutral and polar, at codon 1140 of the BRCA2 protein (p.Ser1140Asn). This variant is not present in population databases (gnomAD no frequency). This variant has not been reported in the literature in individuals affected with BRCA2-related conditions. ClinVar contains an entry for this variant (Variation ID: 495452). Invitae Evidence Modeling of protein sequence and biophysical properties (such as structural, functional, and spatial information, amino acid conservation, physicochemical variation, residue mobility, and thermodynamic stability) indicates that this missense variant is not expected to disrupt BRCA2 protein function with a negative predictive value of 95%. In summary, the available evidence is currently insufficient to determine the role of this variant in disease. Therefore, it has been classified as a Variant of Uncertain Significance.

GeneDx
Classification: Uncertain significance. Last evaluated: 2025-07-21. Review status: criteria provided, single submitter. Criteria: GeneDx Variant Classification Process June 2021. Collection method: clinical testing. Allele origin: germline.
Comment: Identified in an individual clinically diagnosed with a cancer predisposition syndrome (PMID: 30055349); Not observed at significant frequency in large population cohorts (gnomAD); In silico analysis suggests that this missense variant does not alter protein structure/function; Also known as 3647G>A; This variant is associated with the following publications: (PMID: 30055349)

Women's Health and Genetics/Laboratory Corporation of America, LabCorp
Classification: Uncertain significance. Last evaluated: 2025-07-10. Review status: criteria provided, single submitter. Criteria: LabCorp Variant Classification Summary - May 2015. Collection method: clinical testing. Allele origin: germline.
Comment: Variant summary: BRCA2 c.3419G>A (p.Ser1140Asn) results in a conservative amino acid change in the encoded protein sequence. Algorithms developed to predict the effect of missense changes on protein structure and function all suggest that this variant is likely to be tolerated. The variant was absent in 250970 control chromosomes. The available data on variant occurrences in the general population are insufficient to allow any conclusion about variant significance. c.3419G>A has been observed in one individual presumably affected with Hereditary Breast And Ovarian Cancer Syndrome, co-occurring with anothe pathogenic variant in BRCA2 (Vendrell_2018). These report(s) do not provide unequivocal conclusions about association of the variant with Hereditary Breast And Ovarian Cancer Syndrome. Co-occurrences with other pathogenic variant(s) have been reported (BRCA2 c.9382C>T, p.Arg3128*), providing supporting evidence for a benign role (Vendrell_2018). To our knowledge, no experimental evidence demonstrating an impact on protein function has been reported. The following publication has been ascertained in the context of this evaluation (PMID: 30055349). ClinVar contains an entry for this variant (Variation ID: 495452). Based on the evidence outlined above, the variant was classified as VUS-possibly benign.

KCCC/NGS Laboratory, Kuwait Cancer Control Center
Classification: Uncertain significance for Breast-ovarian cancer, familial, susceptibility to, 2. Last evaluated: 2025-04-28. Review status: criteria provided, single submitter. Criteria: ACMG Guidelines, 2015. Collection method: clinical testing. Allele origin: germline. Inheritance: Autosomal dominant inheritance. Affected: yes. Observed: 1 heterozygote.
Comment: This sequence change replaces serine, which is neutral and polar, with asparagine, which is neutral and polar, at codon 1140 of the BRCA2 protein (p.Ser1140Asn). This variant is not present in population databases (gnomAD no frequency). This variant has not been reported in the literature in individuals affected with BRCA2-related conditions. ClinVar contains an entry for this variant (Variation ID: 495452). In-silico predictions not expected to disrupt BRCA2 protein function. In summary, the available evidence is currently insufficient to determine the role of this variant in disease. Therefore, it has been classified as a Variant of Uncertain Significance.

University of Washington Department of Laboratory Medicine, University of Washington
Classification: Likely benign for Hereditary cancer-predisposing syndrome. Last evaluated: 2023-03-23. Review status: criteria provided, single submitter. Criteria: Dines et al. (Genet Med. 2020). Collection method: curation. Allele origin: germline.
Comment: Missense variant in a coldspot region where missense variants are very unlikely to be pathogenic (PMID:31911673).

BRCA2 exon 11 coldspot. Reclassification based on statistical prior probability.

Ambry Genetics
Classification: Likely benign for Hereditary cancer-predisposing syndrome. Last evaluated: 2019-08-22. Review status: criteria provided, single submitter. Criteria: Ambry Variant Classification Scheme 2023. Collection method: clinical testing. Allele origin: germline.

Quest Diagnostics Nichols Institute San Juan Capistrano
Classification: Uncertain significance. Last evaluated: 2018-11-26. Review status: criteria provided, single submitter. Criteria: Quest Diagnostics criteria. Collection method: clinical testing. Allele origin: germline.

Literature cited by the submitters: PubMed 30055349 (cited by Women's Health and Genetics/Laboratory Corporation of America, LabCorp).

NM_000059.4(BRCA2):c.3419G>A (p.Ser1140Asn)

Gene: BRCA2 (BRCA2 DNA repair associated; plus strand). Cytogenetic location: 13q13.1.
Variant type: single nucleotide variant.
Coding change: c.3419G>A on transcript NM_000059.4 (MANE Select); coding-DNA position 3419, G replaced by A.
Protein change: p.Ser1140Asn; replaces serine 1140 with asparagine.
Molecular consequence: missense variant.
Genome position (GRCh38, 1-based): chr13:32,337,774, G>A. VCF-style: chr13-32337774-G-A. GRCh37 (hg19) VCF-style: chr13-32911911-G-A.
Other names: short protein forms S1140N.
Identifiers: ClinVar variation 495452 (VCV000495452.20), dbSNP rs80358585, ClinGen allele CA387776510.